The following is an entry in ClinVar:

ClinVar aggregate classification (germline): Uncertain significance. Review status: criteria provided, multiple submitters, no conflicts (2 of 4 stars). 3 submissions from 3 submitters: Uncertain significance (3). Last evaluated 2025-07-01.

Conditions:
Mucopolysaccharidosis, MPS-III-C (MPS3C). Also called: SANFILIPPO SYNDROME C; MPS III C; mucopolysaccharidosis type 3C; MUCOPOLYSACCHARIDOSIS, TYPE IIIC; MPS IIIC (Sanfilippo Syndrome Type C); Mucopolysaccharidosis type IIIC (Sanfilippo C). Identifiers: Orphanet 581, Orphanet 79271, MedGen C0086649, MONDO:0009657, OMIM 252930.
Retinitis pigmentosa 73 (RP73). Identifiers: Orphanet 791, MedGen C4225287, MONDO:0014687, OMIM 616544.
Inborn genetic diseases. Identifiers: MedGen C0950123, MeSH D030342.

Allele frequency attached by ClinVar (database versions not stated): ESP Exome Variant Server 0.00008; ExAC 0.00009; gnomAD 0.00003; TOPMed 0.00004; gnomAD exomes 0.00002.
gnomAD v4.1: 33 of 1,608,076 alleles (0.0021%); highest among the groups gnomAD compares: East Asian, 0.033%; no homozygotes.

Submissions (4):

Ambry Genetics
Classification: Uncertain significance for Inborn genetic diseases. Last evaluated: 2025-07-01. Review status: criteria provided, single submitter. Criteria: Ambry Variant Classification Scheme 2023. Collection method: clinical testing. Allele origin: germline.

Blueprint Genetics
Classification: Uncertain significance. Last evaluated: 2023-09-04. Review status: criteria provided, single submitter. Criteria: ACMG Guidelines, 2015. Collection method: clinical testing. Allele origin: germline.

Labcorp Genetics (formerly Invitae), Labcorp
Classification: Uncertain significance for Retinitis pigmentosa 73; Mucopolysaccharidosis, MPS-III-C. Last evaluated: 2022-10-19. Review status: criteria provided, single submitter. Criteria: Invitae Variant Classification Sherloc (09022015). Collection method: clinical testing. Allele origin: germline.
Comment: This sequence change replaces arginine, which is basic and polar, with glutamine, which is neutral and polar, at codon 303 of the HGSNAT protein (p.Arg303Gln). This variant is present in population databases (rs368646796, gnomAD 0.07%). This variant has not been reported in the literature in individuals affected with HGSNAT-related conditions. Algorithms developed to predict the effect of missense changes on protein structure and function (SIFT, PolyPhen-2, Align-GVGD) all suggest that this variant is likely to be tolerated. In summary, the available evidence is currently insufficient to determine the role of this variant in disease. Therefore, it has been classified as a Variant of Uncertain Significance.

Dr. Peter K. Rogan Lab, Western University
No classification provided (evidence only). Condition: Hepatocellular carcinoma. Review status: no classification provided. Collection method: in vitro. Allele origin: not applicable. Functional consequence: skipped exon. Not counted in ClinVar's aggregate classification.

NM_152419.3(HGSNAT):c.908G>A (p.Arg303Gln)

Gene: HGSNAT (heparan-alpha-glucosaminide N-acetyltransferase; plus strand). Cytogenetic location: 8p11.21.
Variant type: single nucleotide variant.
Coding change: c.908G>A on transcript NM_152419.3 (MANE Select); coding-DNA position 908, G replaced by A.
Protein change: p.Arg303Gln; replaces arginine 303 with glutamine.
Molecular consequence: missense variant. On other transcripts: intron variant (1).
Genome position (GRCh38, 1-based): chr8:43,178,130, G>A. VCF-style: chr8-43178130-G-A. GRCh37 (hg19) VCF-style: chr8-43033273-G-A.
Other names: c.908G>A, p.Arg303Gln (NM_001363227.2); c.44G>A, p.Arg15Gln (NM_001363229.2); c.821-4015G>A (NM_001363228.2); short protein forms R15Q, R303Q.
Identifiers: ClinVar variation 2061278 (VCV002061278.5), dbSNP rs368646796, ClinGen allele CA4736683.
Genomic context (GRCh38, chr8:43,178,130, plus strand): 5'-TTAGGTTTGTATTTATTATGGGATCTTCCATTTTTCTATCGATGACTTCTATACTGCAAC[G>A]GGGGTGTTCAAAATTCAGATTGCTGGGGAAGATTGCATGGAGGAGTTTCCTGTTAATCTG-3'
Protein context (NP_689632.2, residues 293-313): IFLSMTSILQ[Arg303Gln]GCSKFRLLGK